The following is an entry in ClinVar:

NM_013382.7(POMT2):c.248+6T>C

Gene: POMT2 (protein O-mannosyltransferase 2; minus strand). Cytogenetic location: 14q24.3.
Variant type: single nucleotide variant.
Coding change: c.248+6T>C on transcript NM_013382.7 (MANE Select); 6 bases into the intron after coding-DNA position 248, T replaced by C.
Molecular consequence: intron variant.
Genome position (GRCh38, 1-based): chr14:77,320,428, A>G on the plus strand (T>C on the coding strand, the complement: POMT2 is on the minus strand). VCF-style: chr14-77320428-A-G. GRCh37 (hg19) VCF-style: chr14-77786771-A-G.
Identifiers: ClinVar variation 515401 (VCV000515401.1), dbSNP rs777522318, ClinGen allele CA7286255.

ClinVar aggregate classification (germline): Likely benign (1 of 4 stars; one submission).

Allele frequency attached by ClinVar (database versions not stated): ExAC 0.00006.
gnomAD v4.1: 5 of 1,545,880 alleles (0.00032%); highest among the groups gnomAD compares: Middle Eastern, 0.033%; no homozygotes.

Submission:

GeneDx
Classification: Likely benign. Last evaluated: 2018-02-19. Review status: criteria provided, single submitter. Criteria: GeneDx Variant Classification (06012015). Collection method: clinical testing. Allele origin: germline. Affected: yes.
Comment: This variant is considered likely benign or benign based on one or more of the following criteria: it is a conservative change, it occurs at a poorly conserved position in the protein, it is predicted to be benign by multiple in silico algorithms, and/or has population frequency not consistent with disease.